The following is an entry in ClinVar:

NM_001371395.1(USP53):c.3035G>A (p.Gly1012Asp)

Gene: USP53 (ubiquitin specific peptidase 53; plus strand). Cytogenetic location: 4q26.
Variant type: single nucleotide variant.
Coding change: c.3035G>A on transcript NM_001371395.1 (MANE Select); coding-DNA position 3035, G replaced by A.
Protein change: p.Gly1012Asp; replaces glycine 1012 with aspartic acid.
Molecular consequence: missense variant. On other transcripts: 3 prime UTR variant (4).
Genome position (GRCh38, 1-based): chr4:119,293,024, G>A. VCF-style: chr4-119293024-G-A. GRCh37 (hg19) VCF-style: chr4-120214179-G-A.
Other names: c.2882G>A, p.Gly961Asp (NM_001371396.1, NM_001389661.1); c.*535G>A (NM_001371397.1, NM_001371398.1, NM_001389666.1 and 1 more transcripts); c.3035G>A, p.Gly1012Asp (NM_019050.3, NM_001371399.1, NM_001389658.1 and 1 more transcripts); c.2885G>A, p.Gly962Asp (NM_001389660.1); c.2687G>A, p.Gly896Asp (NM_001389662.1, NM_001389663.1, NM_001389664.1); c.2534G>A, p.Gly845Asp (NM_001389665.1); short protein forms G845D, G1012D, G896D, G961D, G962D.
Identifiers: ClinVar variation 5031655 (VCV005031655.1).

ClinVar aggregate classification (germline): Uncertain significance (1 of 4 stars; one submission).

Conditions:
Inborn genetic diseases. Identifiers: MedGen C0950123, MeSH D030342.

gnomAD v4.1: 90 of 1,614,094 alleles (0.0056%); highest among the groups gnomAD compares: East Asian, 0.2%; no homozygotes.

Submission:

Ambry Genetics
Classification: Uncertain significance for Inborn genetic diseases. Last evaluated: 2026-07-13. Review status: criteria provided, single submitter. Criteria: Ambry Variant Classification Scheme 2023. Collection method: clinical testing. Allele origin: germline.
Comment: The c.3035G>A (p.G1012D) alteration is located in exon 18 (coding exon 15) of the USP53 gene. This alteration results from a G to A substitution at nucleotide position 3035, causing the glycine (G) at amino acid position 1012 to be replaced by an aspartic acid (D). Based on data from gnomAD, the A allele has an overall frequency of <0.001% (1/249506) total alleles studied. The highest observed frequency was 0.006% (1/17978) of East Asian alleles. Based on insufficient or conflicting evidence, the clinical significance of this alteration remains unclear.